The following is an entry in ClinVar:

ClinVar aggregate classification (germline): Likely benign (1 of 4 stars; one submission).

Submission:

CeGaT Center for Human Genetics Tuebingen
Classification: Likely benign. Last evaluated: 2026-01-01. Review status: criteria provided, single submitter. Criteria: CeGaT Center For Human Genetics Tuebingen Variant Classification Criteria Version 2. Collection method: clinical testing. Allele origin: germline. Affected: yes. Observed: 1 variant allele.
Comment: GRM1: PM2:Supporting, BP4, BP7

NM_001278064.2(GRM1):c.2304C>T (p.Thr768=)

Gene: GRM1 (glutamate metabotropic receptor 1; plus strand). Cytogenetic location: 6q24.3.
Variant type: single nucleotide variant.
Coding change: c.2304C>T on transcript NM_001278064.2 (MANE Select); coding-DNA position 2304, C replaced by T.
Protein change: p.Thr768=; no amino-acid change (threonine 768 retained).
Molecular consequence: synonymous variant.
Genome position (GRCh38, 1-based): chr6:146,399,343, C>T. VCF-style: chr6-146399343-C-T. GRCh37 (hg19) VCF-style: chr6-146720479-C-T.
Other names: c.2304C>T, p.Thr768= (NM_001278065.2, NM_001278066.1, NM_001278067.1).
Identifiers: ClinVar variation 4823089 (VCV004823089.4).